The following is an entry in ClinVar:

NM_152703.5(SAMD9L):c.2275A>C (p.Lys759Gln)

Gene: SAMD9L (sterile alpha motif domain containing 9 like; minus strand). Cytogenetic location: 7q21.2.
Variant type: single nucleotide variant.
Coding change: c.2275A>C on transcript NM_152703.5 (MANE Select); coding-DNA position 2275, A replaced by C.
Protein change: p.Lys759Gln; replaces lysine 759 with glutamine.
Molecular consequence: missense variant.
Genome position (GRCh38, 1-based): chr7:93,133,697, T>G on the plus strand (A>C on the coding strand, the complement: SAMD9L is on the minus strand). VCF-style: chr7-93133697-T-G. GRCh37 (hg19) VCF-style: chr7-92763010-T-G.
Other names: c.2275A>C, p.Lys759Gln (NM_001303496.3, NM_001303497.3, NM_001303498.3 and 5 more transcripts); short protein forms K759Q.
Identifiers: ClinVar variation 3949875 (VCV003949875.1).

ClinVar aggregate classification (germline): Uncertain significance (1 of 4 stars; one submission).

Conditions:
Inborn genetic diseases. Identifiers: MedGen C0950123, MeSH D030342.

Submission:

Ambry Genetics
Classification: Uncertain significance for Inborn genetic diseases. Last evaluated: 2025-04-25. Review status: criteria provided, single submitter. Criteria: Ambry Variant Classification Scheme 2023. Collection method: clinical testing. Allele origin: germline.
Comment: The p.K759Q variant (also known as c.2275A>C), located in coding exon 1 of the SAMD9L gene, results from an A to C substitution at nucleotide position 2275. The lysine at codon 759 is replaced by glutamine, an amino acid with similar properties. This amino acid position is conserved. In addition, this alteration is predicted to be tolerated by in silico analysis. Based on the available evidence, the clinical significance of this variant remains unclear.